The following is an entry in ClinVar:

ClinVar aggregate classification (germline): Uncertain significance (1 of 4 stars; one submission).

Allele frequency attached by ClinVar (database versions not stated): gnomAD exomes below 0.00001; gnomAD 0.00001.
gnomAD v4.1: 5 of 1,536,960 alleles (0.00033%); highest among the groups gnomAD compares: Non-Finnish European, 0.00044%; no homozygotes.

Submission:

CeGaT Center for Human Genetics Tuebingen
Classification: Uncertain significance. Last evaluated: 2024-04-01. Review status: criteria provided, single submitter. Criteria: CeGaT Center For Human Genetics Tuebingen Variant Classification Criteria Version 2. Collection method: clinical testing. Allele origin: germline. Affected: yes. Observed: 1 variant allele.
Comment: PIEZO2: PM2, BP4

NM_001378183.1(PIEZO2):c.4599C>T (p.Gly1533=)

Gene: PIEZO2 (piezo type mechanosensitive ion channel component 2; minus strand). Cytogenetic location: 18p11.22.
Variant type: single nucleotide variant.
Coding change: c.4599C>T on transcript NM_001378183.1 (MANE Select); coding-DNA position 4599, C replaced by T.
Protein change: p.Gly1533=; no amino-acid change (glycine 1533 retained).
Molecular consequence: synonymous variant.
Genome position (GRCh38, 1-based): chr18:10,742,531, G>A on the plus strand (C>T on the coding strand, the complement: PIEZO2 is on the minus strand). VCF-style: chr18-10742531-G-A. GRCh37 (hg19) VCF-style: chr18-10742529-G-A.
Other names: c.4599C>T, p.Gly1533= (NM_001410871.1); c.4524C>T, p.Gly1508= (NM_022068.4).
Identifiers: ClinVar variation 3234680 (VCV003234680.20), dbSNP rs2037264674, ClinGen allele CA502893159.